The following is an entry in ClinVar:

ClinVar aggregate classification (germline): Uncertain significance (1 of 4 stars; one submission).

Conditions:
Inborn genetic diseases. Identifiers: MedGen C0950123, MeSH D030342.

gnomAD v4.1: 6 of 1,614,046 alleles (0.00037%); highest among the groups gnomAD compares: Non-Finnish European, 0.00051%; no homozygotes.

Submission:

Ambry Genetics
Classification: Uncertain significance for Inborn genetic diseases. Last evaluated: 2026-05-14. Review status: criteria provided, single submitter. Criteria: Ambry Variant Classification Scheme 2023. Collection method: clinical testing. Allele origin: germline.
Comment: The p.P527L variant (also known as c.1580C>T), located in coding exon 8 of the MECOM gene, results from a C to T substitution at nucleotide position 1580. The proline at codon 527 is replaced by leucine, an amino acid with similar properties. This amino acid position is conserved. In addition, the in silico prediction for this alteration is inconclusive. Based on the available evidence, the clinical significance of this variant remains unclear.

NM_004991.4(MECOM):c.1580C>T (p.Pro527Leu)

Gene: MECOM (MDS1 and EVI1 complex locus; minus strand). Cytogenetic location: 3q26.2.
Variant type: single nucleotide variant.
Coding change: c.1580C>T on transcript NM_004991.4 (MANE Select); coding-DNA position 1580, C replaced by T.
Protein change: p.Pro527Leu; replaces proline 527 with leucine.
Molecular consequence: missense variant. On other transcripts: intron variant (2).
Genome position (GRCh38, 1-based): chr3:169,116,292, G>A on the plus strand (C>T on the coding strand, the complement: MECOM is on the minus strand). VCF-style: chr3-169116292-G-A. GRCh37 (hg19) VCF-style: chr3-168834080-G-A.
Other names: c.1211C>T, p.Pro404Leu (NM_001105077.4); c.1016C>T, p.Pro339Leu (NM_001105078.4, NM_001164000.2, NM_001205194.2 and 4 more transcripts); c.1019C>T, p.Pro340Leu (NM_001163999.2, NM_001366467.2, NM_001366468.2 and 1 more transcripts); c.1580C>T, p.Pro527Leu (NM_001366466.2); c.1133-525C>T (NM_001366473.2); c.569-525C>T (NM_001366474.2); short protein forms P339L, P340L, P404L, P527L.
Identifiers: ClinVar variation 4859775 (VCV004859775.1).